The following is an entry in ClinVar:

ClinVar aggregate classification (germline): Uncertain significance. Review status: criteria provided, multiple submitters, no conflicts (2 of 4 stars). 4 submissions from 4 submitters: Uncertain significance (4). Last evaluated 2026-03-01.

Conditions:
Cardiovascular phenotype. Identifiers: MedGen CN230736.
Dilated cardiomyopathy 1G (CMD1G). Identifiers: Orphanet 154, MedGen C1858763, MONDO:0011400, OMIM 604145.
Autosomal recessive limb-girdle muscular dystrophy type 2J (LGMDR10). Also called: Limb-girdle muscular dystrophy, type 2J; MUSCULAR DYSTROPHY, LIMB-GIRDLE, AUTOSOMAL RECESSIVE 10. Identifiers: Orphanet 140922, MedGen C1837342, MONDO:0012127, OMIM 608807.

Allele frequency attached by ClinVar (database versions not stated): TOPMed below 0.00001; gnomAD 0.00001 and 0.00002; gnomAD exomes 0.00001 and 0.00002; ExAC 0.00003; 1000 Genomes Project 0.00020; 1000 Genomes Project 30x 0.00031.

Submissions (4):

CeGaT Center for Human Genetics Tuebingen
Classification: Uncertain significance. Last evaluated: 2026-03-01. Review status: criteria provided, single submitter. Criteria: CeGaT Center For Human Genetics Tuebingen Variant Classification Criteria Version 2. Collection method: clinical testing. Allele origin: germline. Affected: yes. Observed: 1 variant allele.
Comment: TTN: PM2, BP4

Ambry Genetics
Classification: Uncertain significance for Cardiovascular phenotype. Last evaluated: 2020-03-06. Review status: criteria provided, single submitter. Criteria: Ambry Variant Classification Scheme 2023. Collection method: clinical testing. Allele origin: germline.
Comment: The p.R18998C variant (also known as c.56992C>T), located in coding exon 153 of the TTN gene, results from a C to T substitution at nucleotide position 56992. The arginine at codon 18998 is replaced by cysteine, an amino acid with highly dissimilar properties. This amino acid position is poorly conserved in available vertebrate species. In addition, this alteration is predicted to be tolerated by in silico analysis. Since supporting evidence is limited at this time, the clinical significance of this alteration remains unclear.

Labcorp Genetics (formerly Invitae), Labcorp
Classification: Uncertain significance for Dilated cardiomyopathy 1G; Autosomal recessive limb-girdle muscular dystrophy type 2J. Last evaluated: 2017-10-02. Review status: criteria provided, single submitter. Criteria: Invitae Variant Classification Sherloc (09022015). Collection method: clinical testing. Allele origin: germline.

Biesecker Lab/Clinical Genomics Section, National Institutes of Health
Classification: Uncertain significance. Last evaluated: 2013-06-24. Review status: criteria provided, single submitter. Criteria: Ng et al. (Circ Cardiovasc Genet. 2013). Collection method: research. Allele origin: unknown. Observed: 1 variant allele. Study: ClinSeq.
Comment: The study set was not selected for affection status in relation to any cancer. Pathogenicity categories were based on literature curation. See Pubmed ID:23861362 for details.

Medical sequencing

NM_001267550.2(TTN):c.84187C>T (p.Arg28063Cys)

Genes: TTN-AS1 (TTN antisense RNA 1; plus strand), TTN (titin; minus strand). Cytogenetic location: 2q31.2.
Variant type: single nucleotide variant.
Coding change: c.84187C>T on transcript NM_001267550.2 (MANE Select); coding-DNA position 84187, C replaced by T.
Protein change: p.Arg28063Cys; replaces arginine 28063 with cysteine.
Molecular consequence: missense variant.
Genome position (GRCh38, 1-based): chr2:178,561,945, G>A on the plus strand (C>T on the coding strand, the complement: TTN is on the minus strand). VCF-style: chr2-178561945-G-A. GRCh37 (hg19) VCF-style: chr2-179426672-G-A.
Other names: c.79264C>T, p.Arg26422Cys (NM_001256850.1); c.56992C>T, p.Arg18998Cys (NM_003319.4); c.76483C>T, p.Arg25495Cys (NM_133378.4); c.57367C>T, p.Arg19123Cys (NM_133432.3); c.57568C>T, p.Arg19190Cys (NM_133437.4); short protein forms R25495C, R28063C, R18998C, R19190C, R26422C, R19123C.
Identifiers: ClinVar variation 191871 (VCV000191871.9), dbSNP rs539595292, ClinGen allele CA237749.